The following is an entry in ClinVar:

ClinVar aggregate classification (germline): Uncertain significance. Review status: criteria provided, multiple submitters, no conflicts (2 of 4 stars). 2 submissions from 2 submitters: Uncertain significance (2). Last evaluated 2021-11-15.

Conditions:
Inborn genetic diseases. Identifiers: MedGen C0950123, MeSH D030342.

Allele frequency attached by ClinVar (database versions not stated): gnomAD exomes below 0.00001 and 0.00001.
gnomAD v4.1: 7 of 1,614,052 alleles (0.00043%); highest among the groups gnomAD compares: Non-Finnish European, 0.00059%; no homozygotes.

Submissions (2):

Ambry Genetics
Classification: Uncertain significance for Inborn genetic diseases. Last evaluated: 2021-11-15. Review status: criteria provided, single submitter. Criteria: Ambry Variant Classification Scheme 2023. Collection method: clinical testing. Allele origin: germline.

Labcorp Genetics (formerly Invitae), Labcorp
Classification: Uncertain significance. Last evaluated: 2019-12-17. Review status: criteria provided, single submitter. Criteria: Invitae Variant Classification Sherloc (09022015). Collection method: clinical testing. Allele origin: germline.
Comment: In summary, the available evidence is currently insufficient to determine the role of this variant in disease. Therefore, it has been classified as a Variant of Uncertain Significance. Experimental studies and prediction algorithms are not available or were not evaluated, and the functional significance of this variant is currently unknown. This variant has not been reported in the literature in individuals with MAK-related conditions. This variant is not present in population databases (ExAC no frequency). This sequence change replaces phenylalanine with tyrosine at codon 610 of the MAK protein (p.Phe610Tyr). The phenylalanine residue is weakly conserved and there is a small physicochemical difference between phenylalanine and tyrosine.

NM_001242957.3(MAK):c.1829T>A (p.Phe610Tyr)

Gene: MAK (male germ cell associated kinase; minus strand). Cytogenetic location: 6p24.2.
Variant type: single nucleotide variant.
Coding change: c.1829T>A on transcript NM_001242957.3 (MANE Select); coding-DNA position 1829, T replaced by A.
Protein change: p.Phe610Tyr; replaces phenylalanine 610 with tyrosine.
Molecular consequence: missense variant. On other transcripts: non-coding transcript variant (2).
Genome position (GRCh38, 1-based): chr6:10,764,570, A>T on the plus strand (T>A on the coding strand, the complement: MAK is on the minus strand). VCF-style: chr6-10764570-A-T. GRCh37 (hg19) VCF-style: chr6-10764803-A-T.
Other names: c.1634T>A, p.Phe545Tyr (NM_001242385.2); c.1532T>A, p.Phe511Tyr (NM_001377262.1); c.1754T>A, p.Phe585Tyr (NM_005906.6); c.1754T>A (NM_005906.4); short protein forms F511Y, F545Y, F585Y, F610Y.
Identifiers: ClinVar variation 848187 (VCV000848187.10), dbSNP rs1274445058, ClinGen allele CA362719376.